The following is an entry in ClinVar:

ClinVar aggregate classification (germline): Uncertain significance (1 of 4 stars; one submission).

Conditions:
Charcot-Marie-Tooth disease axonal type 2C (HMSN2C). Also called: CHARCOT-MARIE-TOOTH DISEASE, AXONAL, AUTOSOMAL DOMINANT, TYPE 2C; Charcot-Marie-Tooth Neuropathy Type 2C; Charcot-Marie-Tooth Disease Type 2, TRPV4-Related (CMT2C). Identifiers: Orphanet 99937, MedGen C1853710, MONDO:0011633, OMIM 606071.

Submission:

Labcorp Genetics (formerly Invitae), Labcorp
Classification: Uncertain significance for Charcot-Marie-Tooth disease axonal type 2C. Last evaluated: 2022-02-17. Review status: criteria provided, single submitter. Criteria: Invitae Variant Classification Sherloc (09022015). Collection method: clinical testing. Allele origin: germline.
Comment: In summary, the available evidence is currently insufficient to determine the role of this variant in disease. Therefore, it has been classified as a Variant of Uncertain Significance. Variants that disrupt the consensus splice site are a relatively common cause of aberrant splicing (PMID: 17576681, 9536098). Algorithms developed to predict the effect of sequence changes on RNA splicing suggest that this variant may create or strengthen a splice site. This variant has not been reported in the literature in individuals affected with TRPV4-related conditions. This variant is not present in population databases (gnomAD no frequency). This sequence change falls in intron 7 of the TRPV4 gene. It does not directly change the encoded amino acid sequence of the TRPV4 protein. It affects a nucleotide within the consensus splice site.

Literature cited by the submitters: PubMed 17576681; PubMed 9536098.

NM_021625.5(TRPV4):c.1333-4_1333-3del

Gene: TRPV4 (transient receptor potential cation channel subfamily V member 4; minus strand). Cytogenetic location: 12q24.11.
Variant type: Deletion.
Coding change: c.1333-4_1333-3del on transcript NM_021625.5 (MANE Select); 4 bases into the intron before coding-DNA position 1333 through 3 bases into the intron before coding-DNA position 1333, 2 bases deleted (TT; older notation c.1333-4_1333-3delTT).
Molecular consequence: intron variant.
Genome position (GRCh38, 1-based): chr12:109,794,490-109,794,491, AA deleted on the plus strand (TT on the coding strand, the reverse complement: TRPV4 is on the minus strand). VCF-style (leftmost placement, unchanged base first): chr12-109794489-TAA-T. GRCh37 (hg19) VCF-style: chr12-110232294-TAA-T.
Other names: c.1012-4_1012-3del (NM_001177433.1); c.1192-4_1192-3del (NM_001177428.1); c.1153-4_1153-3del (NM_147204.2); c.1231-4_1231-3del (NM_001177431.1).
Identifiers: ClinVar variation 2171601 (VCV002171601.4), dbSNP rs2548732651, ClinGen allele CA2575286419.